The following is an entry in ClinVar:

NM_201596.3(CACNB2):c.770A>G (p.His257Arg)

Gene: CACNB2 (calcium voltage-gated channel auxiliary subunit beta 2; plus strand). Cytogenetic location: 10p12.31.
Variant type: single nucleotide variant.
Coding change: c.770A>G on transcript NM_201596.3 (MANE Select); coding-DNA position 770, A replaced by G.
Protein change: p.His257Arg; replaces histidine 257 with arginine.
Molecular consequence: missense variant. On other transcripts: intron variant (6).
Genome position (GRCh38, 1-based): chr10:18,514,335, A>G. VCF-style: chr10-18514335-A-G. GRCh37 (hg19) VCF-style: chr10-18803264-A-G.
Other names: c.605A>G, p.His202Arg (NM_000724.4); c.626A>G, p.His209Arg (NM_201570.3); c.686A>G, p.His229Arg (NM_201571.4); c.608A>G, p.His203Arg (NM_201590.3); c.587-176A>G (NM_001167945.2); c.587-645A>G (NM_201572.4); c.671-176A>G (NM_201593.3); c.671-645A>G (NM_201597.3); and 2 more; short protein forms H202R, H229R, H203R, H209R, H257R.
Identifiers: ClinVar variation 3484158 (VCV003484158.1).
Genomic context (GRCh38, chr10:18,514,335, plus strand): 5'-ATGATATTCCAGCAAACCACCGCTCCCCTAAACCCAGTGCAAACAGTGTAACGTCACCCC[A>G]CTCCAAAGAGAAAAGAATGCCCTTCTTTAAGAAGGTAACATTAACTTCCAAGCTCCCATT-3'
Protein context (NP_963890.2, residues 247-267): KPSANSVTSP[His257Arg]SKEKRMPFFK

ClinVar aggregate classification (germline): Uncertain significance (1 of 4 stars; one submission).

Conditions:
Cardiovascular phenotype. Identifiers: MedGen CN230736.

Submission:

Ambry Genetics
Classification: Uncertain significance for Cardiovascular phenotype. Last evaluated: 2024-10-08. Review status: criteria provided, single submitter. Criteria: Ambry Variant Classification Scheme 2023. Collection method: clinical testing. Allele origin: germline.
Comment: The p.H203R variant (also known as c.608A>G), located in coding exon 6 of the CACNB2 gene, results from an A to G substitution at nucleotide position 608. The histidine at codon 203 is replaced by arginine, an amino acid with highly similar properties. This amino acid position is conserved. In addition, this alteration is predicted to be tolerated by in silico analysis. Based on the available evidence, the clinical significance of this variant remains unclear.